The following is an entry in ClinVar:

NM_003000.3(SDHB):c.139T>G (p.Trp47Gly)

Gene: SDHB (succinate dehydrogenase complex iron sulfur subunit B; minus strand). Cytogenetic location: 1p36.13.
Variant type: single nucleotide variant.
Coding change: c.139T>G on transcript NM_003000.3 (MANE Select); coding-DNA position 139, T replaced by G.
Protein change: p.Trp47Gly; replaces tryptophan 47 with glycine.
Molecular consequence: missense variant.
Genome position (GRCh38, 1-based): chr1:17,044,822, A>C on the plus strand (T>G on the coding strand, the complement: SDHB is on the minus strand). VCF-style: chr1-17044822-A-C. GRCh37 (hg19) VCF-style: chr1-17371317-A-C.
Other names: c.139T>G, p.Trp47Gly (NM_001407361.1); short protein forms W47G.
Identifiers: ClinVar variation 4547730 (VCV004547730.2).

ClinVar aggregate classification (germline): Uncertain significance (1 of 4 stars; one submission).

Conditions:
Hereditary cancer-predisposing syndrome. Also called: Neoplastic Syndromes, Hereditary; Tumor predisposition; Hereditary Cancer Syndrome; Hereditary neoplastic syndrome. Identifiers: Orphanet 140162, MedGen C0027672, MeSH D009386, MONDO:0015356.

Submission:

Ambry Genetics
Classification: Uncertain significance for Hereditary cancer-predisposing syndrome. Last evaluated: 2026-03-25. Review status: criteria provided, single submitter. Criteria: Ambry Variant Classification Scheme 2023. Collection method: clinical testing. Allele origin: germline.
Comment: The p.W47G variant (also known as c.139T>G), located in coding exon 2 of the SDHB gene, results from a T to G substitution at nucleotide position 139. The tryptophan at codon 47 is replaced by glycine, an amino acid with highly dissimilar properties. This amino acid position is highly conserved in available vertebrate species. In addition, this alteration is predicted to be deleterious by in silico analysis. Based on the available evidence, the clinical significance of this variant remains unclear.